The following is an entry in ClinVar:

ClinVar aggregate classification (germline): Uncertain significance (1 of 4 stars; one submission).

Conditions:
Periodic fever-infantile enterocolitis-autoinflammatory syndrome. Also called: Autoinflammation with infantile enterocolitis. Identifiers: Orphanet 436166, MedGen C4015067, MONDO:0014472, OMIM 616050.
Familial cold autoinflammatory syndrome 4 (FCAS4). Identifiers: Orphanet 47045, Orphanet 576349, MedGen C4015276, MONDO:0014498, OMIM 616115.

Submission:

Labcorp Genetics (formerly Invitae), Labcorp
Classification: Uncertain significance for Periodic fever-infantile enterocolitis-autoinflammatory syndrome; Familial cold autoinflammatory syndrome 4. Last evaluated: 2024-02-02. Review status: criteria provided, single submitter. Criteria: Invitae Variant Classification Sherloc (09022015). Collection method: clinical testing. Allele origin: germline.
Comment: This sequence change replaces alanine, which is neutral and non-polar, with serine, which is neutral and polar, at codon 639 of the NLRC4 protein (p.Ala639Ser). This variant is not present in population databases (gnomAD no frequency). This variant has not been reported in the literature in individuals affected with NLRC4-related conditions. Advanced modeling of protein sequence and biophysical properties (such as structural, functional, and spatial information, amino acid conservation, physicochemical variation, residue mobility, and thermodynamic stability) performed at Invitae indicates that this missense variant is not expected to disrupt NLRC4 protein function with a negative predictive value of 80%. In summary, the available evidence is currently insufficient to determine the role of this variant in disease. Therefore, it has been classified as a Variant of Uncertain Significance.

NM_001199138.2(NLRC4):c.1915G>T (p.Ala639Ser)

Gene: NLRC4 (NLR family CARD domain containing 4; minus strand). Cytogenetic location: 2p22.3.
Variant type: single nucleotide variant.
Coding change: c.1915G>T on transcript NM_001199138.2 (MANE Select); coding-DNA position 1915, G replaced by T.
Protein change: p.Ala639Ser; replaces alanine 639 with serine.
Molecular consequence: missense variant. On other transcripts: intron variant (1).
Genome position (GRCh38, 1-based): chr2:32,249,949, C>A on the plus strand (G>T on the coding strand, the complement: NLRC4 is on the minus strand). VCF-style: chr2-32249949-C-A. GRCh37 (hg19) VCF-style: chr2-32475018-C-A.
Other names: c.1915G>T, p.Ala639Ser (NM_001199139.2, NM_021209.5); c.262+2470G>T (NM_001302504.1); short protein forms A639S.
Identifiers: ClinVar variation 3748860 (VCV003748860.2).
Genomic context (GRCh38, chr2:32,249,949, plus strand): 5'-ATTCCTGCTTCCAGTTGAAGAACAAAGATACAGCCCTGCTGGGAATGTAGGTTTCTGGGG[C>A]CTCTTCCATGTGGATTCCACCTGTGTCTTCTGCAGCCTTTTCCCATGAAGCCATAGCTCC-3'
Protein context (NP_001186067.1, residues 629-649): EDTGGIHMEE[Ala639Ser]PETYIPSRAV